The following is an entry in ClinVar:

ClinVar aggregate classification (germline): Uncertain significance. Review status: criteria provided, multiple submitters, no conflicts (2 of 4 stars). 2 submissions from 2 submitters: Uncertain significance (2). Last evaluated 2026-09-01.

Conditions:
IFT172-related disorder. Also called: IFT172-related disorders; IFT172-related condition.
Short-rib thoracic dysplasia 10 with or without polydactyly (SRTD10). Identifiers: Orphanet 474, MedGen C3810175, MONDO:0014284, OMIM 615630.
Retinitis pigmentosa 71 (RP71). Identifiers: Orphanet 791, MedGen C4225342, MONDO:0014618, OMIM 616394.

Allele frequency attached by ClinVar (database versions not stated): TOPMed below 0.00001.
gnomAD v4.1: 4 of 1,614,076 alleles (0.00025%); highest among the groups gnomAD compares: Non-Finnish European, 0.00034%; no homozygotes.

Submissions (2):

PreventionGenetics, part of Exact Sciences
Classification: Uncertain significance for IFT172-related condition. Last evaluated: 2026-09-01. Review status: criteria provided, single submitter. Criteria: ACMG Guidelines, 2015. Collection method: clinical testing. Allele origin: germline.
Comment: The IFT172 c.466G>T variant is predicted to result in the amino acid substitution p.Val156Leu. To our knowledge, this variant has not been reported in the literature or in a large population database (gnomAD), indicating this variant is rare. At this time, the clinical significance of this variant is uncertain due to the absence of conclusive functional and genetic evidence.

Labcorp Genetics (formerly Invitae), Labcorp
Classification: Uncertain significance for Retinitis pigmentosa 71; Short-rib thoracic dysplasia 10 with or without polydactyly. Last evaluated: 2021-09-01. Review status: criteria provided, single submitter. Criteria: Invitae Variant Classification Sherloc (09022015). Collection method: clinical testing. Allele origin: germline.
Comment: This sequence change replaces valine with leucine at codon 156 of the IFT172 protein (p.Val156Leu). The valine residue is moderately conserved and there is a small physicochemical difference between valine and leucine. This variant is not present in population databases (ExAC no frequency). This variant has not been reported in the literature in individuals affected with IFT172-related conditions. Algorithms developed to predict the effect of missense changes on protein structure and function are either unavailable or do not agree on the potential impact of this missense change (SIFT: "Deleterious"; PolyPhen-2: "Benign"; Align-GVGD: "Class C0"). In summary, the available evidence is currently insufficient to determine the role of this variant in disease. Therefore, it has been classified as a Variant of Uncertain Significance.

NM_015662.3(IFT172):c.466G>T (p.Val156Leu)

Gene: IFT172 (intraflagellar transport 172; minus strand). Cytogenetic location: 2p23.3.
Variant type: single nucleotide variant.
Coding change: c.466G>T on transcript NM_015662.3 (MANE Select); coding-DNA position 466, G replaced by T.
Protein change: p.Val156Leu; replaces valine 156 with leucine.
Molecular consequence: missense variant.
Genome position (GRCh38, 1-based): chr2:27,483,596, C>A on the plus strand (G>T on the coding strand, the complement: IFT172 is on the minus strand). VCF-style: chr2-27483596-C-A. GRCh37 (hg19) VCF-style: chr2-27706463-C-A.
Other names: c.466G>T (NM_015662.2); short protein forms V156L.
Identifiers: ClinVar variation 1000073 (VCV001000073.7), dbSNP rs1401986067, ClinGen allele CA346400535.